The following is an entry in ClinVar:

NM_000282.4(PCCA):c.284A>G (p.Asp95Gly)

Gene: PCCA (propionyl-CoA carboxylase subunit alpha; plus strand). Cytogenetic location: 13q32.3.
Variant type: single nucleotide variant.
Coding change: c.284A>G on transcript NM_000282.4 (MANE Select); coding-DNA position 284, A replaced by G.
Protein change: p.Asp95Gly; replaces aspartic acid 95 with glycine.
Molecular consequence: missense variant. On other transcripts: 5 prime UTR variant (3), non-coding transcript variant (5).
Genome position (GRCh38, 1-based): chr13:100,112,045, A>G. VCF-style: chr13-100112045-A-G. GRCh37 (hg19) VCF-style: chr13-100764299-A-G.
Other names: c.206A>G, p.Asp69Gly (NM_001127692.3, NM_001352607.2, NM_001352608.2); c.284A>G, p.Asp95Gly (NM_001178004.2, NM_001352605.2, NM_001352606.2 and 1 more transcripts); c.-583A>G (NM_001352610.2, NM_001352611.2, NM_001352612.2); short protein forms D95G, D69G.
Identifiers: ClinVar variation 218248 (VCV000218248.2), dbSNP rs879253801, ClinGen allele CA10575823.

ClinVar aggregate classification (germline): Pathogenic (1 of 4 stars; one submission).

Conditions:
Propionic acidemia (PROP). Also called: GLYCINEMIA, KETOTIC; HYPERGLYCINEMIA WITH KETOACIDOSIS AND LEUKOPENIA; KETOTIC HYPERGLYCINEMIA. Identifiers: Orphanet 35, MedGen C0268579, MONDO:0011628, OMIM 606054, HP:0003571.

Submission:

Institute of Medical Genetics and Genomics, Sir Ganga Ram Hospital
Classification: Pathogenic for Propionic Acidemia. Last evaluated: 2011-01-01. Review status: criteria provided, single submitter. Criteria: Gupta et al. (Genet Test Mol Biomarkers 2016). Collection method: research. Allele origin: germline. Affected: yes. Observed: 1 variant allele. Study: ORGANIC ACIDURIAS.
Comment: Missense mutation